The following is an entry in ClinVar:

NM_001939.3(DRP2):c.1790G>A (p.Arg597Gln)

Gene: DRP2 (dystrophin related protein 2; plus strand). Cytogenetic location: Xq22.1.
Variant type: single nucleotide variant.
Coding change: c.1790G>A on transcript NM_001939.3 (MANE Select); coding-DNA position 1790, G replaced by A.
Protein change: p.Arg597Gln; replaces arginine 597 with glutamine.
Molecular consequence: missense variant.
Genome position (GRCh38, 1-based): chrX:101,251,008, G>A. VCF-style: chrX-101251008-G-A. GRCh37 (hg19) VCF-style: chrX-100505997-G-A.
Other names: c.1556G>A, p.Arg519Gln (NM_001171184.2); short protein forms R597Q, R519Q.
Identifiers: ClinVar variation 1428891 (VCV001428891.9), dbSNP rs1923123974, ClinGen allele CA413930920.
Genomic context (GRCh38, chrX:101,251,008, plus strand): 5'-AGTTCCTGGAGTGGGTCAACCTGGAGCCCCAGTCCATGGTGTGGCTGGCTGTTCTGCATC[G>A]GGTCACCATTGCTGAGCAAGTGAAGCATCAGACCAAGTGCTCTATCTGTAGGCAGTGCCC-3'
Protein context (NP_001930.2, residues 587-607): QSMVWLAVLH[Arg597Gln]VTIAEQVKHQ

ClinVar aggregate classification (germline): Uncertain significance. Review status: criteria provided, multiple submitters, no conflicts (2 of 4 stars). 2 submissions from 2 submitters: Uncertain significance (2). Last evaluated 2024-10-18.

Allele frequency attached by ClinVar (database versions not stated): gnomAD exomes 0.00001; TOPMed 0.00001.
gnomAD v4.1: 5 of 1,211,840 alleles (0.00041%); highest among the groups gnomAD compares: Non-Finnish European, 0.00056%; no homozygotes.

Submissions (2):

Blueprint Genetics
Classification: Uncertain significance. Last evaluated: 2024-10-18. Review status: criteria provided, single submitter. Criteria: ACMG Guidelines, 2015. Collection method: clinical testing. Allele origin: germline.

Labcorp Genetics (formerly Invitae), Labcorp
Classification: Uncertain significance. Last evaluated: 2024-08-02. Review status: criteria provided, single submitter. Criteria: Invitae Variant Classification Sherloc (09022015). Collection method: clinical testing. Allele origin: germline.
Comment: This sequence change replaces arginine, which is basic and polar, with glutamine, which is neutral and polar, at codon 597 of the DRP2 protein (p.Arg597Gln). This variant is not present in population databases (gnomAD no frequency). This missense change has been observed in individuals with clinical features of Charcot-Marie-Tooth disease (PMID: 38513194; Invitae). ClinVar contains an entry for this variant (Variation ID: 1428891). Advanced modeling of protein sequence and biophysical properties (such as structural, functional, and spatial information, amino acid conservation, physicochemical variation, residue mobility, and thermodynamic stability) has been performed at Invitae for this missense variant, however the output from this modeling did not meet the statistical confidence thresholds required to predict the impact of this variant on DRP2 protein function. In summary, the available evidence is currently insufficient to determine the role of this variant in disease. Therefore, it has been classified as a Variant of Uncertain Significance.

Literature cited by the submitters: PubMed 38513194 (cited by Labcorp Genetics (formerly Invitae), Labcorp).